The following is an entry in ClinVar:

ClinVar aggregate classification (germline): Uncertain significance (1 of 4 stars; one submission).

Conditions:
Disseminated atypical mycobacterial infection. Identifiers: MedGen C0694566.

Submission:

Labcorp Genetics (formerly Invitae), Labcorp
Classification: Uncertain significance for Disseminated atypical mycobacterial infection. Last evaluated: 2025-08-08. Review status: criteria provided, single submitter. Criteria: Invitae Variant Classification Sherloc (09022015). Collection method: clinical testing. Allele origin: germline.
Comment: This sequence change replaces glycine, which is neutral and non-polar, with aspartic acid, which is acidic and polar, at codon 472 of the IFNGR1 protein (p.Gly472Asp). This variant is not present in population databases (gnomAD no frequency). This variant has not been reported in the literature in individuals affected with IFNGR1-related conditions. Invitae Evidence Modeling of protein sequence and biophysical properties (such as structural, functional, and spatial information, amino acid conservation, physicochemical variation, residue mobility, and thermodynamic stability) indicates that this missense variant is not expected to disrupt IFNGR1 protein function with a negative predictive value of 80%. In summary, the available evidence is currently insufficient to determine the role of this variant in disease. Therefore, it has been classified as a Variant of Uncertain Significance.

NM_000416.3(IFNGR1):c.1415G>A (p.Gly472Asp)

Gene: IFNGR1 (interferon gamma receptor 1; minus strand). Cytogenetic location: 6q23.3.
Variant type: single nucleotide variant.
Coding change: c.1415G>A on transcript NM_000416.3 (MANE Select); coding-DNA position 1415, G replaced by A.
Protein change: p.Gly472Asp; replaces glycine 472 with aspartic acid.
Molecular consequence: missense variant.
Genome position (GRCh38, 1-based): chr6:137,198,086, C>T on the plus strand (G>A on the coding strand, the complement: IFNGR1 is on the minus strand). VCF-style: chr6-137198086-C-T. GRCh37 (hg19) VCF-style: chr6-137519223-C-T.
Other names: c.1385G>A, p.Gly462Asp (NM_001363526.1); c.1292G>A, p.Gly431Asp (NM_001363527.1); short protein forms G472D, G462D, G431D.
Identifiers: ClinVar variation 4696960 (VCV004696960.1).
Genomic context (GRCh38, chr6:137,198,086, plus strand): 5'-TGATCTCATGAAAATTCTTTGGAATCTTCTGTTGGTCTATAACCAATCAAGGACTCTTTA[C>T]CGCTATCATCCACAAGTAGATCCACTAGCACATGTGGTTTATCATAACCAAAGGAGGTGG-3'
Protein context (NP_000407.1, residues 462-482): VLVDLLVDDS[Gly472Asp]KESLIGYRPT